The following is an entry in ClinVar:

NM_001035.3(RYR2):c.12333C>T (p.Asn4111=)

Gene: RYR2 (ryanodine receptor 2; plus strand). Cytogenetic location: 1q43.
Variant type: single nucleotide variant.
Coding change: c.12333C>T on transcript NM_001035.3 (MANE Select); coding-DNA position 12333, C replaced by T.
Protein change: p.Asn4111=; no amino-acid change (asparagine 4111 retained).
Molecular consequence: synonymous variant.
Genome position (GRCh38, 1-based): chr1:237,784,045, C>T. VCF-style: chr1-237784045-C-T. GRCh37 (hg19) VCF-style: chr1-237947345-C-T.
Other names: c.12333C>T, p.Asn4111= (LRG_402t1).
Identifiers: ClinVar variation 296760 (VCV000296760.16), dbSNP rs748716535, ClinGen allele CA085170.

ClinVar aggregate classification (germline): Likely benign. Review status: criteria provided, multiple submitters, no conflicts (2 of 4 stars). 5 submissions from 5 submitters: Likely benign (4). 1 of the submissions does not count toward it. Last evaluated 2025-11-26.

Conditions:
Cardiovascular phenotype. Identifiers: MedGen CN230736.
Catecholaminergic polymorphic ventricular tachycardia (CVPT). Also called: Catecholamine-induced polymorphic ventricular tachycardia. Identifiers: Orphanet 3286, MedGen C5574922, MONDO:0017990.
Cardiomyopathy (CMYO). Also called: Cardiomyopathies. Identifiers: Orphanet 167848, MedGen C0878544, MONDO:0004994, HP:0001638. Inheritance: Various modes of inheritance.
Catecholaminergic polymorphic ventricular tachycardia 1. Also called: VENTRICULAR TACHYCARDIA, CATECHOLAMINERGIC POLYMORPHIC, 1, WITH OR WITHOUT ATRIAL DYSFUNCTION AND/OR DILATED CARDIOMYOPATHY; VENTRICULAR TACHYCARDIA, STRESS-INDUCED POLYMORPHIC 1; RYR2-Related Catecholaminergic Polymorphic Ventricular Tachycardia. Identifiers: Orphanet 3286, MedGen C1631597, MONDO:0011484, OMIM 604772.

Allele frequency attached by ClinVar (database versions not stated): gnomAD exomes below 0.00001 and 0.00001; ExAC 0.00001.
gnomAD v4.1: 3 of 1,613,974 alleles (0.00019%); highest among the groups gnomAD compares: Admixed American, 0.0017%; no homozygotes.

Submissions (5):

Labcorp Genetics (formerly Invitae), Labcorp
Classification: Likely benign for Catecholaminergic polymorphic ventricular tachycardia 1. Last evaluated: 2025-11-26. Review status: criteria provided, single submitter. Criteria: Invitae Variant Classification Sherloc (09022015). Collection method: clinical testing. Allele origin: germline.

Ambry Genetics
Classification: Likely benign for Cardiovascular phenotype. Last evaluated: 2025-05-24. Review status: criteria provided, single submitter. Criteria: Ambry Variant Classification Scheme 2023. Collection method: clinical testing. Allele origin: germline.

All of Us Research Program, National Institutes of Health
Classification: Likely benign for Catecholaminergic polymorphic ventricular tachycardia. Last evaluated: 2023-05-16. Review status: criteria provided, single submitter. Criteria: ACMG Guidelines, 2015. Collection method: clinical testing. Allele origin: germline. Inheritance: Autosomal dominant inheritance. Observed: 1 variant allele, 1 heterozygote.
Comment: This study involves interpretation of variants in research participants for the purpose of population health screening. Participant phenotype was not available at the time of variant classification. Additional details can be found in publication PMID: 35346344, PMCID: PMC8962531

Color Diagnostics, LLC DBA Color Health
Classification: Likely benign for Cardiomyopathy. Last evaluated: 2022-01-05. Review status: criteria provided, single submitter. Criteria: ACMG Guidelines, 2015. Collection method: clinical testing. Allele origin: germline.

Medical Genetics Laboratory, West China Hospital, Sichuan University
Classification: Uncertain significance for Catecholaminergic polymorphic ventricular tachycardia 1. Review status: no assertion criteria provided. Collection method: in vitro. Allele origin: not applicable. Inheritance: Autosomal dominant inheritance. Not counted in ClinVar's aggregate classification.
Comment: In vitro minigene studies indicate that the variant is not likely to interrupt its normal splicing process.